The following is an entry in ClinVar:

NM_001200.4(BMP2):c.692C>G (p.Ala231Gly)

Gene: BMP2 (bone morphogenetic protein 2; plus strand). Cytogenetic location: 20p12.3.
Variant type: single nucleotide variant.
Coding change: c.692C>G on transcript NM_001200.4 (MANE Select); coding-DNA position 692, C replaced by G.
Protein change: p.Ala231Gly; replaces alanine 231 with glycine.
Molecular consequence: missense variant.
Genome position (GRCh38, 1-based): chr20:6,778,590, C>G. VCF-style: chr20-6778590-C-G. GRCh37 (hg19) VCF-style: chr20-6759237-C-G.
Other names: short protein forms A231G.
Identifiers: ClinVar variation 3349863 (VCV003349863.1).

ClinVar aggregate classification (germline): Uncertain significance (0 of 4 stars; one submission).

Conditions:
BMP2-related disorder. Also called: BMP2-related condition.

Submission:

PreventionGenetics, part of Exact Sciences
Classification: Uncertain significance for BMP2-related condition. Last evaluated: 2024-03-23. Review status: no assertion criteria provided. Collection method: clinical testing. Allele origin: germline.
Comment: The BMP2 c.692C>G variant is predicted to result in the amino acid substitution p.Ala231Gly. To our knowledge, this variant has not been reported in the literature or in a large population database, indicating this variant is rare. At this time, the clinical significance of this variant is uncertain due to the absence of conclusive functional and genetic evidence.